The following is an entry in ClinVar:

ClinVar aggregate classification (germline): Uncertain significance (1 of 4 stars; one submission).

Conditions:
Hyperphosphatasia with impaired intellectual development syndrome 2. Also called: Hyperphosphatasia with intellectual disability syndrome 2; GLYCOSYLPHOSPHATIDYLINOSITOL BIOSYNTHESIS DEFECT 6. Identifiers: Orphanet 247262, MedGen C3553637, MONDO:0013882, OMIM 614749.

Allele frequency attached by ClinVar (database versions not stated): TOPMed 0.00001; gnomAD exomes 0.00002; gnomAD 0.00001; ExAC 0.00002.
gnomAD v4.1: 28 of 1,614,110 alleles (0.0017%); highest among the groups gnomAD compares: Non-Finnish European, 0.0023%; no homozygotes.

Submission:

Labcorp Genetics (formerly Invitae), Labcorp
Classification: Uncertain significance for Hyperphosphatasia with impaired intellectual development syndrome 2. Last evaluated: 2022-02-04. Review status: criteria provided, single submitter. Criteria: Invitae Variant Classification Sherloc (09022015). Collection method: clinical testing. Allele origin: germline.
Comment: Algorithms developed to predict the effect of missense changes on protein structure and function are either unavailable or do not agree on the potential impact of this missense change (SIFT: "Tolerated"; PolyPhen-2: "Probably Damaging"; Align-GVGD: "Class C0"). This variant has not been reported in the literature in individuals affected with PIGO-related conditions. This variant is present in population databases (rs757869655, gnomAD 0.004%). This sequence change replaces proline, which is neutral and non-polar, with serine, which is neutral and polar, at codon 656 of the PIGO protein (p.Pro656Ser). In summary, the available evidence is currently insufficient to determine the role of this variant in disease. Therefore, it has been classified as a Variant of Uncertain Significance.

NM_032634.4(PIGO):c.1966C>T (p.Pro656Ser)

Gene: PIGO (phosphatidylinositol glycan anchor biosynthesis class O; minus strand). Cytogenetic location: 9p13.3.
Variant type: single nucleotide variant.
Coding change: c.1966C>T on transcript NM_032634.4 (MANE Select); coding-DNA position 1966, C replaced by T.
Protein change: p.Pro656Ser; replaces proline 656 with serine.
Molecular consequence: missense variant. On other transcripts: intron variant (2).
Genome position (GRCh38, 1-based): chr9:35,091,921, G>A on the plus strand (C>T on the coding strand, the complement: PIGO is on the minus strand). VCF-style: chr9-35091921-G-A. GRCh37 (hg19) VCF-style: chr9-35091918-G-A.
Other names: c.1344+622C>T (NM_152850.4, NM_001201484.2); short protein forms P656S.
Identifiers: ClinVar variation 1909584 (VCV001909584.5), dbSNP rs757869655, ClinGen allele CA5040534.